The following is an entry in ClinVar:

NM_030813.6(CLPB):c.654dup (p.Gln219fs)

Gene: CLPB (ClpB family mitochondrial disaggregase; minus strand). Cytogenetic location: 11q13.4.
Variant type: Duplication.
Coding change: c.654dup on transcript NM_030813.6 (MANE Plus Clinical); coding-DNA position 654, one base duplicated (A; older notation c.654dupA).
Protein change: p.Gln219fs; shifts the reading frame from glutamine 219.
Molecular consequence: frameshift variant. On other transcripts: intron variant (2).
Genome position (GRCh38, 1-based): chr11:72,373,007, T duplicated on the plus strand (A on the coding strand, the reverse complement: CLPB is on the minus strand). VCF-style (leftmost placement, unchanged base first): chr11-72373006-G-GT. GRCh37 (hg19) VCF-style: chr11-72084050-G-GT.
Other names: c.654dupA (NM_030813.5, NM_030813.6); c.519dup, p.Gln174fs (NM_001258394.3); c.559+7274dup (NM_001258393.3); c.646+7274dup (NM_001258392.3); c.654dup (NM_030813.5); short protein forms Q174fs, Q219fs.
Identifiers: ClinVar variation 1322097 (VCV001322097.12), dbSNP rs1951072912, ClinGen allele CA1981959211.

ClinVar aggregate classification (germline): Conflicting classifications of pathogenicity. Review status: criteria provided, conflicting classifications (1 of 4 stars). 5 submissions from 5 submitters: Pathogenic (1); Likely pathogenic (3); Uncertain significance (1). Last evaluated 2025-01-16.

Conditions:
CLPB-related disorder. Also called: CLPB-related condition.
3-methylglutaconic aciduria, type VIIB (MGCA7B). Also called: CLPB Deficiency; 3-methylglutaconic aciduria with cataracts, neurologic involvement and neutropenia; 3-methylglutaconic aciduria, type VII, with cataracts, neurologic involvement and neutropenia. Identifiers: Orphanet 445038, MedGen C5676893, MONDO:0014561, OMIM 616271.

Allele frequency attached by ClinVar (database versions not stated): gnomAD exomes below 0.00001.

Submissions (5):

First Genomix Gene Laboratory, Genetic Diagnostics Department
Classification: Likely pathogenic for 3-methylglutaconic aciduria, type VIIB. Last evaluated: 2025-01-16. Review status: criteria provided, single submitter. Criteria: ACMG Guidelines, 2015. Collection method: clinical testing. Allele origin: germline. Inheritance: Autosomal recessive inheritance. Affected: no. Observed: 1 variant allele.

PreventionGenetics, part of Exact Sciences
Classification: Uncertain significance for CLPB-related condition. Last evaluated: 2024-10-09. Review status: criteria provided, single submitter. Criteria: ACMG Guidelines, 2015. Collection method: clinical testing. Allele origin: germline.
Comment: The CLPB c.654dupA variant is predicted to result in a frameshift and premature protein termination (p.Gln219Thrfs*35). To our knowledge, this variant has not been reported in the literature, or in a large population database (gnomAD), indicating this variant is rare. Frameshift variants in CLPB are expected to be pathogenic. This variant is interpreted as likely pathogenic.

Revvity Omics, Revvity
Classification: Likely pathogenic. Last evaluated: 2024-02-01. Review status: criteria provided, single submitter. Criteria: ACMG Guidelines, 2015. Collection method: clinical testing. Allele origin: germline.

GeneDx
Classification: Likely pathogenic. Last evaluated: 2023-10-06. Review status: criteria provided, single submitter. Criteria: GeneDx Variant Classification Process June 2021. Collection method: clinical testing. Allele origin: germline. Affected: yes.
Comment: Frameshift variant predicted to result in protein truncation or nonsense mediated decay in a gene for which loss of function is a known mechanism of disease; Not observed at significant frequency in large population cohorts (gnomAD); Has not been previously published as pathogenic or benign to our knowledge

Labcorp Genetics (formerly Invitae), Labcorp
Classification: Pathogenic for 3-methylglutaconic aciduria, type VIIB. Last evaluated: 2022-10-05. Review status: criteria provided, single submitter. Criteria: Invitae Variant Classification Sherloc (09022015). Collection method: clinical testing. Allele origin: germline.
Comment: This variant is not present in population databases (gnomAD no frequency). This sequence change creates a premature translational stop signal (p.Gln219Thrfs*35) in the CLPB gene. It is expected to result in an absent or disrupted protein product. Loss-of-function variants in CLPB are known to be pathogenic (PMID: 25597510, 28687938). This variant has not been reported in the literature in individuals affected with CLPB-related conditions. For these reasons, this variant has been classified as Pathogenic. ClinVar contains an entry for this variant (Variation ID: 1322097).

Literature cited by the submitters: PubMed 25597510 (cited by Labcorp Genetics (formerly Invitae), Labcorp); PubMed 28687938 (cited by Labcorp Genetics (formerly Invitae), Labcorp).